The following is an entry in ClinVar:

NM_005633.4(SOS1):c.3568A>G (p.Lys1190Glu)

Gene: SOS1 (SOS Ras/Rac guanine nucleotide exchange factor 1; minus strand). Cytogenetic location: 2p22.1.
Variant type: single nucleotide variant.
Coding change: c.3568A>G on transcript NM_005633.4 (MANE Select); coding-DNA position 3568, A replaced by G.
Protein change: p.Lys1190Glu; replaces lysine 1190 with glutamic acid.
Molecular consequence: missense variant.
Genome position (GRCh38, 1-based): chr2:38,986,258, T>C on the plus strand (A>G on the coding strand, the complement: SOS1 is on the minus strand). VCF-style: chr2-38986258-T-C. GRCh37 (hg19) VCF-style: chr2-39213399-T-C.
Other names: c.3547A>G, p.Lys1183Glu (NM_001382394.1); c.3523A>G, p.Lys1175Glu (NM_001382395.1); short protein forms K1190E, K1175E, K1183E.
Identifiers: ClinVar variation 503550 (VCV000503550.7), dbSNP rs1553349579, ClinGen allele CA346362860.
Genomic context (GRCh38, chr2:38,986,258, plus strand): 5'-TTTCAGGAGGGTCTGAGATAGAGGTCCGGTCTGATATTGAATATCGTGGTGAATAGGCTT[T>C]TGATGTGGGTTGCCTAGGAGGAATGGCTGGGGGACTGTCCAAATGCTTAGACATAATCTA-3'
Protein context (NP_005624.2, residues 1180-1200): PAIPPRQPTS[Lys1190Glu]AYSPRYSISD

ClinVar aggregate classification (germline): Uncertain significance. Review status: criteria provided, multiple submitters, no conflicts (2 of 4 stars). 2 submissions from 2 submitters: Uncertain significance (2). Last evaluated 2023-02-14.

Conditions:
RASopathy. Also called: rasopathies; Noonan spectrum disorder. Identifiers: Orphanet 536391, MedGen C5555857, MONDO:0021060.

Submissions (2):

Labcorp Genetics (formerly Invitae), Labcorp
Classification: Uncertain significance for RASopathy. Last evaluated: 2023-02-14. Review status: criteria provided, single submitter. Criteria: Invitae Variant Classification Sherloc (09022015). Collection method: clinical testing. Allele origin: germline.
Comment: This variant has not been reported in the literature in individuals affected with SOS1-related conditions. In summary, the available evidence is currently insufficient to determine the role of this variant in disease. Therefore, it has been classified as a Variant of Uncertain Significance. Advanced modeling of protein sequence and biophysical properties (such as structural, functional, and spatial information, amino acid conservation, physicochemical variation, residue mobility, and thermodynamic stability) performed at Invitae indicates that this missense variant is not expected to disrupt SOS1 protein function. ClinVar contains an entry for this variant (Variation ID: 503550). This variant is not present in population databases (gnomAD no frequency). This sequence change replaces lysine, which is basic and polar, with glutamic acid, which is acidic and polar, at codon 1190 of the SOS1 protein (p.Lys1190Glu).

Laboratory for Molecular Medicine, Mass General Brigham Personalized Medicine
Classification: Uncertain significance. Last evaluated: 2018-03-01. Review status: criteria provided, single submitter. Criteria: LMM Criteria. Collection method: clinical testing. Allele origin: germline.
Comment: Disclaimer: This variant has not undergone full assessment. The following are preliminary notes: Not present in GnomAd-2:39213399 T / C; Not in ClinVar, Google search or HGMD; predicted probably damaging; well conserved